The following is an entry in ClinVar:

ClinVar aggregate classification (germline): Uncertain significance. Review status: criteria provided, multiple submitters, no conflicts (2 of 4 stars). 2 submissions from 2 submitters: Uncertain significance (2). Last evaluated 2025-03-31.

Conditions:
Inborn genetic diseases. Identifiers: MedGen C0950123, MeSH D030342.

gnomAD v4.1: 63 of 1,614,074 alleles (0.0039%); highest among the groups gnomAD compares: Non-Finnish European, 0.0053%; no homozygotes.

Submissions (2):

Labcorp Genetics (formerly Invitae), Labcorp
Classification: Uncertain significance. Last evaluated: 2025-03-31. Review status: criteria provided, single submitter. Criteria: Invitae Variant Classification Sherloc (09022015). Collection method: clinical testing. Allele origin: germline.
Comment: This sequence change replaces threonine, which is neutral and polar, with serine, which is neutral and polar, at codon 79 of the REN protein (p.Thr79Ser). This variant is present in population databases (rs778600672, gnomAD 0.006%). This variant has not been reported in the literature in individuals affected with REN-related conditions. ClinVar contains an entry for this variant (Variation ID: 3432074). Invitae Evidence Modeling of protein sequence and biophysical properties (such as structural, functional, and spatial information, amino acid conservation, physicochemical variation, residue mobility, and thermodynamic stability) indicates that this missense variant is not expected to disrupt REN protein function with a negative predictive value of 80%. In summary, the available evidence is currently insufficient to determine the role of this variant in disease. Therefore, it has been classified as a Variant of Uncertain Significance.

Ambry Genetics
Classification: Uncertain significance for Inborn genetic diseases. Last evaluated: 2024-12-10. Review status: criteria provided, single submitter. Criteria: Ambry Variant Classification Scheme 2023. Collection method: clinical testing. Allele origin: germline.

NM_000537.4(REN):c.236C>G (p.Thr79Ser)

Gene: REN (renin; minus strand). Cytogenetic location: 1q32.1.
Variant type: single nucleotide variant.
Coding change: c.236C>G on transcript NM_000537.4 (MANE Select); coding-DNA position 236, C replaced by G.
Protein change: p.Thr79Ser; replaces threonine 79 with serine.
Molecular consequence: missense variant.
Genome position (GRCh38, 1-based): chr1:204,162,026, G>C on the plus strand (C>G on the coding strand, the complement: REN is on the minus strand). VCF-style: chr1-204162026-G-C. GRCh37 (hg19) VCF-style: chr1-204131154-G-C.
Other names: short protein forms T79S.
Identifiers: ClinVar variation 3432074 (VCV003432074.3).